The following is an entry in ClinVar:

ClinVar aggregate classification (germline): Uncertain significance. Review status: criteria provided, multiple submitters, no conflicts (2 of 4 stars). 2 submissions from 2 submitters: Uncertain significance (2). Last evaluated 2025-04-30.

Conditions:
Hereditary cancer-predisposing syndrome. Also called: Neoplastic Syndromes, Hereditary; Tumor predisposition; Hereditary Cancer Syndrome; Hereditary neoplastic syndrome. Identifiers: Orphanet 140162, MedGen C0027672, MeSH D009386, MONDO:0015356.
Familial adenomatous polyposis 1 (FAP1). Also called: FAMILIAL ADENOMATOUS POLYPOSIS 1, ATTENUATED; POLYPOSIS, ADENOMATOUS INTESTINAL. Identifiers: MedGen C2713442, MONDO:0021056, OMIM 175100. Disease mechanism: loss of function.

Submissions (2):

Labcorp Genetics (formerly Invitae), Labcorp
Classification: Uncertain significance for Familial adenomatous polyposis 1. Last evaluated: 2025-04-30. Review status: criteria provided, single submitter. Criteria: Invitae Variant Classification Sherloc (09022015). Collection method: clinical testing. Allele origin: germline.
Comment: This sequence change replaces serine, which is neutral and polar, with threonine, which is neutral and polar, at codon 237 of the APC protein (p.Ser237Thr). This variant is not present in population databases (gnomAD no frequency). This variant has not been reported in the literature in individuals affected with APC-related conditions. ClinVar contains an entry for this variant (Variation ID: 648016). Invitae Evidence Modeling of protein sequence and biophysical properties (such as structural, functional, and spatial information, amino acid conservation, physicochemical variation, residue mobility, and thermodynamic stability) indicates that this missense variant is not expected to disrupt APC protein function with a negative predictive value of 95%. In summary, the available evidence is currently insufficient to determine the role of this variant in disease. Therefore, it has been classified as a Variant of Uncertain Significance.

Ambry Genetics
Classification: Uncertain significance for Hereditary cancer-predisposing syndrome. Last evaluated: 2025-02-05. Review status: criteria provided, single submitter. Criteria: Ambry Variant Classification Scheme 2023. Collection method: clinical testing. Allele origin: germline.
Comment: The p.S237T variant (also known as c.709T>A), located in coding exon 6 of the APC gene, results from a T to A substitution at nucleotide position 709. The serine at codon 237 is replaced by threonine, an amino acid with similar properties. This amino acid position is highly conserved in available vertebrate species. Missense alterations in APC are not a common cause of disease (Spier I et al. Genet Med. 2024 Feb;26(2):100992). In addition, in silico predictors for this gene do not accurately predict pathogenicity. Based on the available evidence, the clinical significance of this variant remains unclear.

NM_000038.6(APC):c.709T>A (p.Ser237Thr)

Gene: APC (APC regulator of Wnt signaling pathway; plus strand). Cytogenetic location: 5q22.2.
Variant type: single nucleotide variant.
Coding change: c.709T>A on transcript NM_000038.6 (MANE Select); coding-DNA position 709, T replaced by A.
Protein change: p.Ser237Thr; replaces serine 237 with threonine.
Molecular consequence: missense variant. On other transcripts: 5 prime UTR variant (1), intron variant (2).
Genome position (GRCh38, 1-based): chr5:112,792,509, T>A. VCF-style: chr5-112792509-T-A. GRCh37 (hg19) VCF-style: chr5-112128206-T-A.
Other names: c.709T>A, p.Ser237Thr (NM_001127510.3, NM_001354895.2, NM_001354896.2 and 1 more transcripts); c.739T>A, p.Ser247Thr (NM_001354897.2, NM_001354902.2); c.634T>A, p.Ser212Thr (NM_001354898.2, NM_001354904.2); c.532T>A, p.Ser178Thr (NM_001354900.2, NM_001354901.2, NM_001354905.2); c.-327T>A (NM_001354906.2); c.676-8770T>A (NM_001127511.3); c.646-8770T>A (NM_001354899.2); short protein forms S237T, S247T, S212T, S178T.
Identifiers: ClinVar variation 648016 (VCV000648016.15), dbSNP rs1580424233, ClinGen allele CA16022883.
Genomic context (GRCh38, chr5:112,792,509, plus strand): 5'-AGAATAGCCAGAATTCAGCAAATCGAAAAGGACATACTTCGTATACGACAGCTTTTACAG[T>A]CCCAAGCAACAGAAGCAGAGGTTAGTAAATTGCCTTTCTTGTTTGTGGGTATAAAAATAG-3'
Protein context (NP_000029.2, residues 227-247): DILRIRQLLQ[Ser237Thr]QATEAERSSQ